The following is an entry in ClinVar:

NM_000179.3(MSH6):c.1038T>C (p.Ser346=)

Gene: MSH6 (mutS homolog 6; plus strand). Cytogenetic location: 2p16.3.
Variant type: single nucleotide variant.
Coding change: c.1038T>C on transcript NM_000179.3 (MANE Select); coding-DNA position 1038, T replaced by C.
Protein change: p.Ser346=; no amino-acid change (serine 346 retained).
Molecular consequence: synonymous variant.
Genome position (GRCh38, 1-based): chr2:47,799,021, T>C. VCF-style: chr2-47799021-T-C. GRCh37 (hg19) VCF-style: chr2-48026160-T-C.
Other names: c.648T>C, p.Ser216= (NM_001281492.2); c.132T>C, p.Ser44= (NM_001281493.2, NM_001281494.2).
Identifiers: ClinVar variation 483887 (VCV000483887.17), dbSNP rs1553412440, ClinGen allele CA426120815.

ClinVar aggregate classification (germline): Benign/Likely benign. Review status: criteria provided, multiple submitters, no conflicts (2 of 4 stars). 5 submissions from 5 submitters: Benign (1); Likely benign (4). Last evaluated 2025-11-12.

Conditions:
Hereditary nonpolyposis colorectal neoplasms. Identifiers: MedGen C0009405, MeSH D003123.
Hereditary cancer-predisposing syndrome. Also called: Neoplastic Syndromes, Hereditary; Tumor predisposition; Hereditary Cancer Syndrome; Hereditary neoplastic syndrome. Identifiers: Orphanet 140162, MedGen C0027672, MeSH D009386, MONDO:0015356.
Mismatch repair cancer syndrome 3. Identifiers: MedGen C5436807, MONDO:0030841, OMIM 619097.
Lynch syndrome 5 (LYNCH5). Also called: Colorectal cancer, hereditary nonpolyposis, type 5; Hereditary non-polyposis colorectal cancer, type 5. Identifiers: Orphanet 144, MedGen C1833477, MONDO:0013710, OMIM 614350. Disease mechanism: loss of function.

Submissions (5):

Labcorp Genetics (formerly Invitae), Labcorp
Classification: Likely benign for Hereditary nonpolyposis colorectal neoplasms. Last evaluated: 2025-11-12. Review status: criteria provided, single submitter. Criteria: Invitae Variant Classification Sherloc (09022015). Collection method: clinical testing. Allele origin: germline.

Myriad Genetics, Inc.
Classification: Benign for Lynch syndrome 5. Last evaluated: 2024-12-20. Review status: criteria provided, single submitter. Criteria: Myriad Autosomal Dominant, Autosomal Recessive and X-Linked Classification Criteria (2023). Collection method: clinical testing. Allele origin: unknown.
Comment: This variant is considered benign. This variant is a silent/synonymous amino acid change and it is not expected to impact splicing.

Color Diagnostics, LLC DBA Color Health
Classification: Likely benign for Hereditary cancer-predisposing syndrome. Last evaluated: 2023-10-16. Review status: criteria provided, single submitter. Criteria: ACMG Guidelines, 2015. Collection method: clinical testing. Allele origin: germline.

Department of Pathology and Laboratory Medicine, Sinai Health System
Classification: Likely benign for Mismatch repair cancer syndrome 3. Last evaluated: 2021-11-30. Review status: criteria provided, single submitter. Criteria: ACMG Guidelines, 2015. Collection method: clinical testing. Allele origin: germline. Affected: yes.

Ambry Genetics
Classification: Likely benign for Hereditary cancer-predisposing syndrome. Last evaluated: 2017-09-15. Review status: criteria provided, single submitter. Criteria: Ambry Variant Classification Scheme 2023. Collection method: clinical testing. Allele origin: germline.